The following is an entry in ClinVar:

NM_001048174.2(MUTYH):c.945G>T (p.Leu315=)

Gene: MUTYH (mutY DNA glycosylase; minus strand). Cytogenetic location: 1p34.1.
Variant type: single nucleotide variant.
Coding change: c.945G>T on transcript NM_001048174.2 (MANE Select); coding-DNA position 945, G replaced by T.
Protein change: p.Leu315=; no amino-acid change (leucine 315 retained).
Molecular consequence: synonymous variant. On other transcripts: non-coding transcript variant (7).
Genome position (GRCh38, 1-based): chr1:45,331,818, C>A on the plus strand (G>T on the coding strand, the complement: MUTYH is on the minus strand). VCF-style: chr1-45331818-C-A. GRCh37 (hg19) VCF-style: chr1-45797490-C-A.
Other names: c.945G>T, p.Leu315= (NM_001048171.2, NM_001048173.2, NM_001293195.2 and 6 more transcripts); c.948G>T, p.Leu316= (NM_001048172.2, NM_001407071.1, NM_001407078.1 and 1 more transcripts); c.1029G>T, p.Leu343= (NM_001128425.2); c.990G>T, p.Leu330= (NM_001293190.2); c.978G>T, p.Leu326= (NM_001293191.2, NM_001407069.1, NM_001407077.1); c.669G>T, p.Leu223= (NM_001293192.2, NM_001293196.2, NM_001407091.1); c.600G>T, p.Leu200= (NM_001350650.2, NM_001350651.2, NM_001407082.1); c.861G>T, p.Leu287= (NM_001407075.1); and 5 more.
Identifiers: ClinVar variation 5024996 (VCV005024996.1).

ClinVar aggregate classification (germline): Uncertain significance (1 of 4 stars; one submission).

Conditions:
Hereditary cancer-predisposing syndrome. Also called: Neoplastic Syndromes, Hereditary; Tumor predisposition; Hereditary neoplastic syndrome; Hereditary Cancer Syndrome. Identifiers: Orphanet 140162, MedGen C0027672, MeSH D009386, MONDO:0015356.

Submission:

Ambry Genetics
Classification: Uncertain significance for Hereditary cancer-predisposing syndrome. Last evaluated: 2026-07-16. Review status: criteria provided, single submitter. Criteria: Ambry Variant Classification Scheme 2023. Collection method: clinical testing. Allele origin: germline.
Comment: The c.1029G>T variant (also known as p.L343L), located in coding exon 12 of the MUTYH gene, results from a G to T substitution at nucleotide position 1029. This nucleotide substitution does not change the amino acid at codon 343. This nucleotide position is not well conserved in available vertebrate species. In silico splice site analysis predicts that this alteration may result in the creation or strengthening of a novel splice acceptor site. Based on the available evidence, the clinical significance of this variant remains unclear.